The following is an entry in ClinVar:

ClinVar aggregate classification (germline): Uncertain significance. Review status: criteria provided, multiple submitters, no conflicts (2 of 4 stars). 2 submissions from 2 submitters: Uncertain significance (2). Last evaluated 2026-03-14.

Conditions:
Inborn genetic diseases. Identifiers: MedGen C0950123, MeSH D030342.

gnomAD v4.1: 5 of 1,614,108 alleles (0.00031%); highest among the groups gnomAD compares: Non-Finnish European, 0.00034%; no homozygotes.

Submissions (2):

GeneDx
Classification: Uncertain significance. Last evaluated: 2026-03-14. Review status: criteria provided, single submitter. Criteria: GeneDx Variant Classification Process June 2021. Collection method: clinical testing. Allele origin: germline.
Comment: Not observed at significant frequency in large population cohorts (gnomAD); In silico analysis supports that this missense variant has a deleterious effect on protein structure/function; Has not been previously published as pathogenic or benign to our knowledge

Ambry Genetics
Classification: Uncertain significance for Inborn genetic diseases. Last evaluated: 2025-12-19. Review status: criteria provided, single submitter. Criteria: Ambry Variant Classification Scheme 2023. Collection method: clinical testing. Allele origin: germline.

NM_020964.3(EPG5):c.7127A>T (p.Tyr2376Phe)

Gene: EPG5 (ectopic P-granules 5 autophagy tethering factor; minus strand). Cytogenetic location: 18q12.3.
Variant type: single nucleotide variant.
Coding change: c.7127A>T on transcript NM_020964.3 (MANE Select); coding-DNA position 7127, A replaced by T.
Protein change: p.Tyr2376Phe; replaces tyrosine 2376 with phenylalanine.
Molecular consequence: missense variant.
Genome position (GRCh38, 1-based): chr18:45,858,665, T>A on the plus strand (A>T on the coding strand, the complement: EPG5 is on the minus strand). VCF-style: chr18-45858665-T-A. GRCh37 (hg19) VCF-style: chr18-43438630-T-A.
Other names: c.7127A>T, p.Tyr2376Phe (NM_001410858.1); c.7124A>T, p.Tyr2375Phe (NM_001410859.1); short protein forms Y2375F, Y2376F.
Identifiers: ClinVar variation 4829379 (VCV004829379.2).
Genomic context (GRCh38, chr18:45,858,665, plus strand): 5'-AGCACTTTCATTTCATTCCTTAAAGTCTGTTCGCTGTTTAAACACTGAAGCAAGTAGACG[T>A]AAAGAGTCAAGTAACTGCCCAAGGTGAGGCACTCCTGCAGGAACTCTTCCATGGTGAGCT-3'
Protein context (NP_066015.2, residues 2366-2386): CLTLGSYLTL[Tyr2376Phe]VYLLQCLNSE